The following is an entry in ClinVar:

ClinVar aggregate classification (germline): Uncertain significance (1 of 4 stars; one submission).

gnomAD v4.1: 2 of 1,611,250 alleles (0.00012%); highest among the groups gnomAD compares: African/African-American, 0.0013%; no homozygotes.

Submission:

Ambry Genetics
Classification: Uncertain significance. Last evaluated: 2025-04-17. Review status: criteria provided, single submitter. Criteria: Ambry Variant Classification Scheme 2023. Collection method: clinical testing. Allele origin: germline.
Comment: The p.D481E variant (also known as c.1443C>A), located in coding exon 11 of the RECQL gene, results from a C to A substitution at nucleotide position 1443. The aspartic acid at codon 481 is replaced by glutamic acid, an amino acid with highly similar properties. This amino acid position is conserved. In addition, this alteration is predicted to be tolerated by in silico analysis. Since supporting evidence is limited at this time, the clinical significance of this alteration remains unclear.

NM_002907.4(RECQL):c.1443C>A (p.Asp481Glu)

Gene: RECQL (RecQ like helicase; minus strand). Cytogenetic location: 12p12.1.
Variant type: single nucleotide variant.
Coding change: c.1443C>A on transcript NM_002907.4 (MANE Select); coding-DNA position 1443, C replaced by A.
Protein change: p.Asp481Glu; replaces aspartic acid 481 with glutamic acid.
Molecular consequence: missense variant.
Genome position (GRCh38, 1-based): chr12:21,473,555, G>T on the plus strand (C>A on the coding strand, the complement: RECQL is on the minus strand). VCF-style: chr12-21473555-G-T. GRCh37 (hg19) VCF-style: chr12-21626489-G-T.
Other names: c.1443C>A, p.Asp481Glu (NM_032941.3); short protein forms D481E.
Identifiers: ClinVar variation 1772741 (VCV001772741.3), dbSNP rs2540334018, ClinGen allele CA384117235.